The following is an entry in ClinVar:

NM_001271.4(CHD2):c.4907-65dup

Gene: CHD2 (chromodomain helicase DNA binding protein 2; plus strand). Cytogenetic location: 15q26.1.
Variant type: Duplication.
Coding change: c.4907-65dup on transcript NM_001271.4 (MANE Select); 65 bases into the intron before coding-DNA position 4907, one base duplicated (A; older notation c.4907-65dupA).
Molecular consequence: intron variant.
Genome position (GRCh38, 1-based): chr15:93,019,947, A duplicated; the last of 13 consecutive A bases (chr15:93,019,935-93,019,947); duplicating any one gives the same sequence. VCF-style (leftmost placement, unchanged base first): chr15-93019934-C-CA. GRCh37 (hg19) VCF-style: chr15-93563164-C-CA.
Identifiers: ClinVar variation 1293271 (VCV001293271.4), dbSNP rs57995034, ClinGen allele CA274888279.

ClinVar aggregate classification (germline): Benign. Review status: criteria provided, multiple submitters, no conflicts (2 of 4 stars). 2 submissions from 2 submitters: Benign (2). Last evaluated 2024-07-15.

Submissions (2):

Unidad de Genómica Garrahan, Hospital de Pediatría Garrahan
Classification: Benign. Last evaluated: 2024-07-15. Review status: criteria provided, single submitter. Criteria: ACMG Guidelines, 2015. Collection method: clinical testing. Allele origin: germline. Affected: no. Observed: 30 variant alleles.
Comment: This variant is classified as Benign based on local population frequency. This variant was detected in 32% of patients studied in a panel designed for Epileptic and Developmental Encephalopathy and Progressive Myoclonus Epilepsy. Number of patients: 30. Only high quality variants are reported.

GeneDx
Classification: Benign. Last evaluated: 2019-08-18. Review status: criteria provided, single submitter. Criteria: GeneDx Variant Classification Process June 2021. Collection method: clinical testing. Allele origin: germline. Affected: yes.